The following is an entry in ClinVar:

NM_014208.3(DSPP):c.1628G>A (p.Gly543Asp)

Genes: DMP1-AS1 (DMP1 and DSPP antisense RNA 1; minus strand), DSPP (dentin sialophosphoprotein; plus strand). Cytogenetic location: 4q22.1.
Variant type: single nucleotide variant.
Coding change: c.1628G>A on transcript NM_014208.3 (MANE Select); coding-DNA position 1628, G replaced by A.
Protein change: p.Gly543Asp; replaces glycine 543 with aspartic acid.
Molecular consequence: missense variant.
Genome position (GRCh38, 1-based): chr4:87,614,290, G>A. VCF-style: chr4-87614290-G-A. GRCh37 (hg19) VCF-style: chr4-88535442-G-A.
Other names: short protein forms G543D.
Identifiers: ClinVar variation 1691132 (VCV001691132.2), dbSNP rs757947720, ClinGen allele CA3001134.
Genomic context (GRCh38, chr4:87,614,290, plus strand): 5'-ATAGTGACAGTAATGGCAATGGTAACAATGGGAATGATGACAATGACAAATCAGACAGTG[G>A]CAAAGGTAAATCAGATAGCAGTGACAGTGATAGTAGTGATAGCAGCAATAGCAGTGATAG-3'
Protein context (NP_055023.2, residues 533-553): GNDDNDKSDS[Gly543Asp]KGKSDSSDSD

ClinVar aggregate classification (germline): Uncertain significance (1 of 4 stars; one submission).

Allele frequency attached by ClinVar (database versions not stated): gnomAD exomes below 0.00001; ExAC 0.00001; gnomAD 0.00001; TOPMed 0.00001.
gnomAD v4.1: 8 of 1,613,922 alleles (0.0005%); highest among the groups gnomAD compares: Non-Finnish European, 0.00059%; no homozygotes.

Submission:

GeneDx
Classification: Uncertain significance. Last evaluated: 2022-05-16. Review status: criteria provided, single submitter. Criteria: GeneDx Variant Classification Process June 2021. Collection method: clinical testing. Allele origin: germline. Affected: yes.
Comment: In silico analysis supports that this missense variant does not alter protein structure/function; Has not been previously published as pathogenic or benign to our knowledge